The following is an entry in ClinVar:

NM_001375524.1(TRRAP):c.2816T>C (p.Met939Thr)

Gene: TRRAP (transformation/transcription domain associated protein; plus strand). Cytogenetic location: 7q22.1.
Variant type: single nucleotide variant.
Coding change: c.2816T>C on transcript NM_001375524.1 (MANE Select); coding-DNA position 2816, T replaced by C.
Protein change: p.Met939Thr; replaces methionine 939 with threonine.
Molecular consequence: missense variant.
Genome position (GRCh38, 1-based): chr7:98,921,946, T>C. VCF-style: chr7-98921946-T-C. GRCh37 (hg19) VCF-style: chr7-98519569-T-C.
Other names: c.2816T>C, p.Met939Thr (NM_001244580.2, NM_003496.4); short protein forms M939T.
Identifiers: ClinVar variation 2092140 (VCV002092140.4), dbSNP rs782729668, ClinGen allele CA368294705.
Genomic context (GRCh38, chr7:98,921,946, plus strand): 5'-TTCAGGGCCCCAGCATCACTGTGGAGTTTTCCGACTGCAAAGCTTCTCTCCAGCTCCCCA[T>C]GGAGAAGGTAAGCTCTGTGACAATGTCGTTTCGTTTTAAGCCTTGTGAAGATACTATGTT-3'
Protein context (NP_001362453.1, residues 929-949): SDCKASLQLP[Met939Thr]EKAIETALDC

ClinVar aggregate classification (germline): Uncertain significance (1 of 4 stars; one submission).

gnomAD v4.1: 2 of 1,614,088 alleles (0.00012%); highest among the groups gnomAD compares: Non-Finnish European, 0.00017%; no homozygotes.

Submission:

Labcorp Genetics (formerly Invitae), Labcorp
Classification: Uncertain significance. Last evaluated: 2024-10-03. Review status: criteria provided, single submitter. Criteria: Invitae Variant Classification Sherloc (09022015). Collection method: clinical testing. Allele origin: germline.
Comment: This sequence change replaces methionine, which is neutral and non-polar, with threonine, which is neutral and polar, at codon 939 of the TRRAP protein (p.Met939Thr). This variant is not present in population databases (gnomAD no frequency). This variant has not been reported in the literature in individuals affected with TRRAP-related conditions. ClinVar contains an entry for this variant (Variation ID: 2092140). Invitae Evidence Modeling of protein sequence and biophysical properties (such as structural, functional, and spatial information, amino acid conservation, physicochemical variation, residue mobility, and thermodynamic stability) indicates that this missense variant is not expected to disrupt TRRAP protein function with a negative predictive value of 80%. In summary, the available evidence is currently insufficient to determine the role of this variant in disease. Therefore, it has been classified as a Variant of Uncertain Significance.